The following is an entry in ClinVar:

ClinVar aggregate classification (germline): Likely benign (1 of 4 stars; one submission).

Submission:

GeneDx
Classification: Likely benign. Last evaluated: 2017-11-14. Review status: criteria provided, single submitter. Criteria: GeneDx Variant Classification (06012015). Collection method: clinical testing. Allele origin: germline. Affected: yes.
Comment: This variant is considered likely benign or benign based on one or more of the following criteria: it is a conservative change, it occurs at a poorly conserved position in the protein, it is predicted to be benign by multiple in silico algorithms, and/or has population frequency not consistent with disease.

NM_000445.5(PLEC):c.-6-35A>T

Gene: PLEC (plectin; minus strand). Cytogenetic location: 8q24.3.
Variant type: single nucleotide variant.
Coding change: c.-6-35A>T on transcript NM_000445.5; 35 bases into the intron before 6 bases upstream of the start codon, A replaced by T.
Molecular consequence: intron variant.
Genome position (GRCh38, 1-based): chr8:143,975,410, T>A on the plus strand (A>T on the coding strand, the complement: PLEC is on the minus strand). VCF-style: chr8-143975410-T-A. GRCh37 (hg19) VCF-style: chr8-145049578-T-A.
Other names: c.-6-35A>T (NM_001410941.1).
Identifiers: ClinVar variation 513331 (VCV000513331.3), dbSNP rs1554745789, ClinGen allele CA658797158.